The following is an entry in ClinVar:

NM_001369.3(DNAH5):c.3943G>C (p.Glu1315Gln)

Genes: DNAH5 (dynein axonemal heavy chain 5; minus strand), DNAH5-AS1 (DNAH5 antisense RNA 1; plus strand). Cytogenetic location: 5p15.2.
Variant type: single nucleotide variant.
Coding change: c.3943G>C on transcript NM_001369.3 (MANE Select); coding-DNA position 3943, G replaced by C.
Protein change: p.Glu1315Gln; replaces glutamic acid 1315 with glutamine.
Molecular consequence: missense variant.
Genome position (GRCh38, 1-based): chr5:13,867,884, C>G on the plus strand (G>C on the coding strand, the complement: DNAH5 is on the minus strand). VCF-style: chr5-13867884-C-G. GRCh37 (hg19) VCF-style: chr5-13867993-C-G.
Other names: short protein forms E1315Q.
Identifiers: ClinVar variation 3841191 (VCV003841191.2).

ClinVar aggregate classification (germline): Uncertain significance. Review status: criteria provided, multiple submitters, no conflicts (2 of 4 stars). 2 submissions from 2 submitters: Uncertain significance (2). Last evaluated 2025-01-27.

Conditions:
Primary ciliary dyskinesia. Also called: Ciliary dyskinesia. Identifiers: Orphanet 244, MedGen C0008780, MONDO:0016575, HP:0012265.
DNAH5-related disorder. Also called: DNAH5-related condition.

gnomAD v4.1: 3 of 1,614,048 alleles (0.00019%); highest among the groups gnomAD compares: South Asian, 0.0011%; no homozygotes.

Submissions (2):

Ambry Genetics
Classification: Uncertain significance for Primary ciliary dyskinesia. Last evaluated: 2025-01-27. Review status: criteria provided, single submitter. Criteria: Ambry Variant Classification Scheme 2023. Collection method: clinical testing. Allele origin: germline.

PreventionGenetics, part of Exact Sciences
Classification: Uncertain significance for DNAH5-related condition. Last evaluated: 2024-11-12. Review status: criteria provided, single submitter. Criteria: ACMG Guidelines, 2015. Collection method: clinical testing. Allele origin: germline.
Comment: The DNAH5 c.3943G>C variant is predicted to result in the amino acid substitution p.Glu1315Gln. To our knowledge, this variant has not been reported in the literature. This variant is reported in 0.0033% of alleles in individuals of South Asian descent in gnomAD. At this time, the clinical significance of this variant is uncertain due to the absence of conclusive functional and genetic evidence.